The following is an entry in ClinVar:

NM_001145402.2(GARIN5B):c.1809G>A (p.Thr603=)

Gene: GARIN5B (golgi associated RAB2 interactor family member 5B; minus strand). Cytogenetic location: 19q13.42.
Variant type: single nucleotide variant.
Coding change: c.1809G>A on transcript NM_001145402.2 (MANE Select); coding-DNA position 1809, G replaced by A.
Protein change: p.Thr603=; no amino-acid change (threonine 603 retained).
Molecular consequence: synonymous variant.
Genome position (GRCh38, 1-based): chr19:55,359,059, C>T on the plus strand (G>A on the coding strand, the complement: GARIN5B is on the minus strand). VCF-style: chr19-55359059-C-T. GRCh37 (hg19) VCF-style: chr19-55870427-C-T.
Identifiers: ClinVar variation 2650519 (VCV002650519.24), dbSNP rs367741177, ClinGen allele CA9673876.

ClinVar aggregate classification (germline): Likely benign (1 of 4 stars; one submission).

Allele frequency attached by ClinVar (database versions not stated): gnomAD exomes 0.00014; 1000 Genomes Project 30x 0.00016; gnomAD 0.00025; ExAC 0.00031; TOPMed 0.00034; ESP Exome Variant Server 0.00066.
gnomAD v4.1: 223 of 1,551,326 alleles (0.014%); highest among the groups gnomAD compares: African/African-American, 0.061%; 1 homozygote.

Submission:

CeGaT Center for Human Genetics Tuebingen
Classification: Likely benign. Last evaluated: 2022-12-01. Review status: criteria provided, single submitter. Criteria: CeGaT Center For Human Genetics Tuebingen Variant Classification Criteria Version 2. Collection method: clinical testing. Allele origin: germline. Affected: yes. Observed: 1 variant allele.
Comment: GARIN5B: BP4, BP7